The following is an entry in ClinVar:

NM_001040151.2(SCN3B):c.614A>G (p.Asn205Ser)

Gene: SCN3B (sodium voltage-gated channel beta subunit 3; minus strand). Cytogenetic location: 11q24.1.
Variant type: single nucleotide variant.
Coding change: c.614A>G on transcript NM_001040151.2 (MANE Select); coding-DNA position 614, A replaced by G.
Protein change: p.Asn205Ser; replaces asparagine 205 with serine.
Molecular consequence: missense variant.
Genome position (GRCh38, 1-based): chr11:123,634,177, T>C on the plus strand (A>G on the coding strand, the complement: SCN3B is on the minus strand). VCF-style: chr11-123634177-T-C. GRCh37 (hg19) VCF-style: chr11-123504885-T-C.
Other names: c.614A>G, p.Asn205Ser (NM_018400.4); short protein forms N205S.
Identifiers: ClinVar variation 426980 (VCV000426980.8), dbSNP rs781244975, ClinGen allele CA6333966.

ClinVar aggregate classification (germline): Uncertain significance. Review status: criteria provided, multiple submitters, no conflicts (2 of 4 stars). 3 submissions from 3 submitters: Uncertain significance (3). Last evaluated 2025-11-02.

Conditions:
Cardiovascular phenotype. Identifiers: MedGen CN230736.
Brugada syndrome 7 (BRGDA7). Identifiers: Orphanet 130, MedGen C2751088, MONDO:0013146, OMIM 613120.

Allele frequency attached by ClinVar (database versions not stated): gnomAD exomes 0.00002 and below 0.00001; TOPMed below 0.00001; ExAC 0.00002.
gnomAD v4.1: 5 of 1,613,844 alleles (0.00031%); highest among the groups gnomAD compares: Non-Finnish European, 0.00042%; no homozygotes.

Submissions (3):

Ambry Genetics
Classification: Uncertain significance for Cardiovascular phenotype. Last evaluated: 2025-11-02. Review status: criteria provided, single submitter. Criteria: Ambry Variant Classification Scheme 2023. Collection method: clinical testing. Allele origin: germline.
Comment: The p.N205S variant (also known as c.614A>G), located in coding exon 5 of the SCN3B gene, results from an A to G substitution at nucleotide position 614. The asparagine at codon 205 is replaced by serine, an amino acid with highly similar properties. This amino acid position is well conserved in available vertebrate species. In addition, this alteration is predicted to be tolerated by in silico analysis. Since supporting evidence is limited at this time, the clinical significance of this alteration remains unclear.

Fulgent Genetics
Classification: Uncertain significance for Brugada syndrome 7. Last evaluated: 2021-08-24. Review status: criteria provided, single submitter. Criteria: ACMG Guidelines, 2015. Collection method: clinical testing. Allele origin: unknown.

GeneDx
Classification: Uncertain significance. Last evaluated: 2020-03-25. Review status: criteria provided, single submitter. Criteria: GeneDx Variant Classification Process June 2021. Collection method: clinical testing. Allele origin: germline. Affected: yes.
Comment: Not observed at a significant frequency in large population cohorts (Lek et al., 2016); In silico analysis supports that this missense variant does not alter protein structure/function; Has not been previously published as pathogenic or benign to our knowledge